The following is an entry in ClinVar:

ClinVar aggregate classification (germline): Uncertain significance (1 of 4 stars; one submission).

Submission:

GeneDx
Classification: Uncertain significance. Last evaluated: 2024-12-15. Review status: criteria provided, single submitter. Criteria: GeneDx Variant Classification Process June 2021. Collection method: clinical testing. Allele origin: germline. Affected: yes.
Comment: Not observed at significant frequency in large population cohorts (gnomAD); In silico analysis supports that this missense variant has a deleterious effect on protein structure/function; Has not been previously published as pathogenic or benign to our knowledge

NM_001145319.2(PLS1):c.1253A>G (p.Tyr418Cys)

Gene: PLS1 (plastin 1; plus strand). Cytogenetic location: 3q23.
Variant type: single nucleotide variant.
Coding change: c.1253A>G on transcript NM_001145319.2 (MANE Select); coding-DNA position 1253, A replaced by G.
Protein change: p.Tyr418Cys; replaces tyrosine 418 with cysteine.
Molecular consequence: missense variant.
Genome position (GRCh38, 1-based): chr3:142,694,544, A>G. VCF-style: chr3-142694544-A-G. GRCh37 (hg19) VCF-style: chr3-142413386-A-G.
Other names: c.1253A>G, p.Tyr418Cys (NM_001172312.2, NM_002670.3); short protein forms Y418C.
Identifiers: ClinVar variation 3902862 (VCV003902862.1).